The following is an entry in ClinVar:

ClinVar aggregate classification (germline): Uncertain significance (1 of 4 stars; one submission).

Submission:

Illumina Laboratory Services, Illumina
Classification: Uncertain significance. Last evaluated: 2020-12-10. Review status: criteria provided, single submitter. Criteria: ICSL CNVClassificationCriteria Aug2020. Collection method: clinical testing. Allele origin: unknown.
Comment: This CNV is an inherited 12.8 Mb duplication of 8q24.21q24.3 on chromosome 8, (seq[GRCh37]dup(8)(8q24.21q24.3); chr8:g.128878931_141662233dup). This CNV constitutes a gain encompassing 26 protein coding genes. Patients with similar gains in this region have not been reported in the peer-reviewed literature. A smaller 2.3 Mb de novo inverted duplication of 8q24.3 has been reported in a child with profound psychomotor retardation, idiopathic epilepsy, and growth delay (Bonaglia et al. 2005). There are several patients in the DECIPHER database (Firth et al. 2009) with smaller duplications that are fully contained within or partially overlap this CNV that are inherited from unaffected parents and are classified as uncertain. Phenotypic features reported in these individuals include global developmental delay, delayed speech and language development, intellectual disability, non-specific facial features, seizures, and abnormal behaviors. Additionally in the DECIPHER database are several patients with duplications in this region of similar size to this event, though these are often found in conjunction with large deletions on other chromosomes and are noted as an imbalance arising from a balanced parental rearrangement. Phenotypic features described in these individuals include brain malformations, intellectual disability, speech and language delays, hearing impairment, and dysmorphic features. A gain of similar size that closely overlaps this CNV is reported in ClinVar (Landrum et al. 2016) and is classified as pathogenic, though inheritance and specific phenotypic features are not described. Similar sized CNVs have not been reported in controls (Coe et al. 2014; MacDonald et al. 2014). Based on the available evidence, this CNV is classified as a variant of uncertain significance.

Literature cited by the submitters: PubMed 15657611; PubMed 19344873; PubMed 24174537; PubMed 25217958; PubMed 26582918.

GRCh37/hg19 8q24.21-24.3(chr8:128878931-141662233)x3

Genes: ADCY8 (adenylate cyclase 8; minus strand), CCN4 (cellular communication network factor 4; plus strand), CHRAC1 (chromatin accessibility complex subunit 1; plus strand), COL22A1 (collagen type XXII alpha 1 chain; minus strand), PHF20L1 (PHD finger protein 20 like 1; plus strand) and 22 more. Cytogenetic location: 8q24.21-24.3.
Variant type: copy number gain.
Change: copy number 3 (three copies instead of two) of chr8:128,878,931-141,662,233 (12.78 Mb, GRCh37 coordinates, 1-based), cytogenetic band 8q24.21-24.3.
Identifiers: ClinVar variation 1328457 (VCV001328457.4).